The following is an entry in ClinVar:

ClinVar aggregate classification (germline): Uncertain significance (1 of 4 stars; one submission).

Submission:

Labcorp Genetics (formerly Invitae), Labcorp
Classification: Uncertain significance. Last evaluated: 2025-06-16. Review status: criteria provided, single submitter. Criteria: Invitae Variant Classification Sherloc (09022015). Collection method: clinical testing. Allele origin: germline.
Comment: This sequence change falls in intron 15 of the ANLN gene. It does not directly change the encoded amino acid sequence of the ANLN protein. It affects a nucleotide within the consensus splice site. This variant is not present in population databases (gnomAD no frequency). This variant has not been reported in the literature in individuals affected with ANLN-related conditions. ClinVar contains an entry for this variant (Variation ID: 3700356). Variants that disrupt the consensus splice site are a relatively common cause of aberrant splicing (PMID: 17576681, 9536098). Algorithms developed to predict the effect of sequence changes on RNA splicing suggest that this variant is not likely to affect RNA splicing. In summary, the available evidence is currently insufficient to determine the role of this variant in disease. Therefore, it has been classified as a Variant of Uncertain Significance.

Literature cited by the submitters: PubMed 17576681; PubMed 9536098.

NM_018685.5(ANLN):c.2603+3A>G

Gene: ANLN (anillin, actin binding protein; plus strand). Cytogenetic location: 7p14.2.
Variant type: single nucleotide variant.
Coding change: c.2603+3A>G on transcript NM_018685.5 (MANE Select); 3 bases into the intron after coding-DNA position 2603, A replaced by G.
Molecular consequence: intron variant.
Genome position (GRCh38, 1-based): chr7:36,423,946, A>G. VCF-style: chr7-36423946-A-G. GRCh37 (hg19) VCF-style: chr7-36463555-A-G.
Other names: c.2492+3A>G (NM_001284301.3); c.2489+3A>G (NM_001284302.3).
Identifiers: ClinVar variation 3700356 (VCV003700356.2).